The following is an entry in ClinVar:

ClinVar aggregate classification (germline): Conflicting classifications of pathogenicity. Review status: criteria provided, conflicting classifications (1 of 4 stars). 2 submissions from 2 submitters: Uncertain significance (1); Likely benign (1). Last evaluated 2023-03-23.

Conditions:
Hereditary cancer-predisposing syndrome. Also called: Neoplastic Syndromes, Hereditary; Tumor predisposition; Hereditary Cancer Syndrome; Hereditary neoplastic syndrome. Identifiers: Orphanet 140162, MedGen C0027672, MeSH D009386, MONDO:0015356.
Hereditary breast ovarian cancer syndrome. Also called: Breast and ovarian cancer; BRCA1- and BRCA2-Associated Hereditary Breast and Ovarian Cancer; Hereditary breast and ovarian cancer; Hereditary breast and ovarian cancer syndrome (HBOC); Hereditary breast and/or ovarian cancer syndrome; Hereditary breast and ovarian cancer syndrome. Identifiers: Orphanet 145, MedGen C0677776, MeSH D061325, MONDO:0003582. Disease mechanism: loss of function.

Submissions (2):

University of Washington Department of Laboratory Medicine, University of Washington
Classification: Likely benign for Hereditary cancer-predisposing syndrome. Last evaluated: 2023-03-23. Review status: criteria provided, single submitter. Criteria: Dines et al. (Genet Med. 2020). Collection method: curation. Allele origin: germline.
Comment: Missense variant in a coldspot region where missense variants are very unlikely to be pathogenic (PMID:31911673).

BRCA2 exon 10 coldspot. Reclassification based on statistical prior probability.

Labcorp Genetics (formerly Invitae), Labcorp
Classification: Uncertain significance for Hereditary breast and ovarian cancer syndrome. Last evaluated: 2018-09-12. Review status: criteria provided, single submitter. Criteria: Invitae Variant Classification Sherloc (09022015). Collection method: clinical testing. Allele origin: germline.
Comment: This sequence change replaces lysine with arginine at codon 330 of the BRCA2 protein (p.Lys330Arg). The lysine residue is moderately conserved and there is a small physicochemical difference between lysine and arginine. This variant is not present in population databases (ExAC no frequency). This variant has not been reported in the literature in individuals with BRCA2-related disease. Algorithms developed to predict the effect of missense changes on protein structure and function are either unavailable or do not agree on the potential impact of this missense change (SIFT: "Tolerated"; PolyPhen-2: "Possibly Damaging"; Align-GVGD: "Class C0"). In summary, the available evidence is currently insufficient to determine the role of this variant in disease. Therefore, it has been classified as a Variant of Uncertain Significance.

NM_000059.4(BRCA2):c.989A>G (p.Lys330Arg)

Gene: BRCA2 (BRCA2 DNA repair associated; plus strand). Cytogenetic location: 13q13.1.
Variant type: single nucleotide variant.
Coding change: c.989A>G on transcript NM_000059.4 (MANE Select); coding-DNA position 989, A replaced by G.
Protein change: p.Lys330Arg; replaces lysine 330 with arginine.
Molecular consequence: missense variant.
Genome position (GRCh38, 1-based): chr13:32,332,467, A>G. VCF-style: chr13-32332467-A-G. GRCh37 (hg19) VCF-style: chr13-32906604-A-G.
Other names: short protein forms K330R.
Identifiers: ClinVar variation 651078 (VCV000651078.3), dbSNP rs1593891700, ClinGen allele CA387760994.